The following is an entry in ClinVar:

ClinVar aggregate classification (germline): Uncertain significance (1 of 4 stars; one submission).

Submission:

Ambry Genetics
Classification: Uncertain significance. Last evaluated: 2025-10-01. Review status: criteria provided, single submitter. Criteria: Ambry Variant Classification Scheme 2023. Collection method: clinical testing. Allele origin: germline.
Comment: The p.G243D variant (also known as c.728G>A), located in coding exon 1 of the CDK12 gene, results from a G to A substitution at nucleotide position 728. The glycine at codon 243 is replaced by aspartic acid, an amino acid with similar properties. This amino acid position is conserved. In addition, this alteration is predicted to be tolerated by in silico analysis. Based on the available evidence, the clinical significance of this variant remains unclear.

NM_016507.4(CDK12):c.728G>A (p.Gly243Asp)

Genes: CDK12 (cyclin dependent kinase 12; plus strand), LOC126862553 (CDK7 strongly-dependent group 2 enhancer GRCh37_chr17:37618166-37619365; plus strand). Cytogenetic location: 17q12.
Variant type: single nucleotide variant.
Coding change: c.728G>A on transcript NM_016507.4 (MANE Select); coding-DNA position 728, G replaced by A.
Protein change: p.Gly243Asp; replaces glycine 243 with aspartic acid.
Molecular consequence: missense variant.
Genome position (GRCh38, 1-based): chr17:39,462,799, G>A. VCF-style: chr17-39462799-G-A. GRCh37 (hg19) VCF-style: chr17-37619052-G-A.
Other names: c.728G>A, p.Gly243Asp (NM_015083.4); short protein forms G243D.
Identifiers: ClinVar variation 4651344 (VCV004651344.1).